The following is an entry in ClinVar:

NM_005591.4(MRE11):c.2124A>G (p.Arg708=)

Gene: MRE11 (MRE11 double strand break repair nuclease; minus strand). Cytogenetic location: 11q21.
Variant type: single nucleotide variant.
Coding change: c.2124A>G on transcript NM_005591.4 (MANE Select); coding-DNA position 2124, A replaced by G.
Protein change: p.Arg708=; no amino-acid change (arginine 708 retained).
Molecular consequence: synonymous variant.
Genome position (GRCh38, 1-based): chr11:94,420,128, T>C on the plus strand (A>G on the coding strand, the complement: MRE11 is on the minus strand). VCF-style: chr11-94420128-T-C. GRCh37 (hg19) VCF-style: chr11-94153294-T-C.
Other names: c.2121A>G, p.Arg707= (NM_001330347.2); c.2040A>G, p.Arg680= (NM_005590.4).
Identifiers: ClinVar variation 479732 (VCV000479732.9), dbSNP rs138017560, ClinGen allele CA226538942.

ClinVar aggregate classification (germline): Conflicting classifications of pathogenicity. Review status: criteria provided, conflicting classifications (1 of 4 stars). 3 submissions from 3 submitters: Uncertain significance (2); Likely benign (1). Last evaluated 2023-10-12.

Conditions:
Ataxia-telangiectasia-like disorder (ATLD). Identifiers: MedGen C1858391, MONDO:0011457.
Ataxia-telangiectasia-like disorder 1 (ATLD1). Identifiers: Orphanet 251347, MedGen C4012790, MONDO:0024557, OMIM 604391.
Hereditary cancer-predisposing syndrome. Also called: Hereditary Cancer Syndrome; Neoplastic Syndromes, Hereditary; Tumor predisposition; Hereditary neoplastic syndrome. Identifiers: Orphanet 140162, MedGen C0027672, MeSH D009386, MONDO:0015356.

Allele frequency attached by ClinVar (database versions not stated): gnomAD exomes below 0.00001 and 0.00001; ESP Exome Variant Server 0.00008.
gnomAD v4.1: 3 of 1,564,452 alleles (0.00019%); highest among the groups gnomAD compares: East Asian, 0.0045%; no homozygotes.

Submissions (3):

Labcorp Genetics (formerly Invitae), Labcorp
Classification: Uncertain significance for Ataxia-telangiectasia-like disorder. Last evaluated: 2023-10-12. Review status: criteria provided, single submitter. Criteria: Invitae Variant Classification Sherloc (09022015). Collection method: clinical testing. Allele origin: germline.
Comment: This sequence change affects codon 708 of the MRE11 mRNA. It is a 'silent' change, meaning that it does not change the encoded amino acid sequence of the MRE11 protein. This variant is present in population databases (rs138017560, gnomAD 0.006%). This variant has not been reported in the literature in individuals affected with MRE11-related conditions. ClinVar contains an entry for this variant (Variation ID: 479732). Algorithms developed to predict the effect of sequence changes on RNA splicing suggest that this variant may create or strengthen a splice site. In summary, the available evidence is currently insufficient to determine the role of this variant in disease. Therefore, it has been classified as a Variant of Uncertain Significance.

Baylor Genetics
Classification: Uncertain significance for Ataxia-telangiectasia-like disorder 1. Last evaluated: 2023-01-11. Review status: criteria provided, single submitter. Criteria: ACMG Guidelines, 2015. Collection method: clinical testing. Allele origin: unknown.

Ambry Genetics
Classification: Likely benign for Hereditary cancer-predisposing syndrome. Last evaluated: 2016-01-07. Review status: criteria provided, single submitter. Criteria: Ambry Variant Classification Scheme 2023. Collection method: clinical testing. Allele origin: germline.